The following is an entry in ClinVar:

ClinVar aggregate classification (germline): Conflicting classifications of pathogenicity. Review status: criteria provided, conflicting classifications (1 of 4 stars). 15 submissions from 15 submitters: Uncertain significance (10); Benign (2); Likely benign (3). Last evaluated 2026-02-03.

Conditions:
Lynch syndrome 4 (LYNCH4). Also called: Hereditary non-polyposis colorectal cancer, type 4; Colorectal cancer, hereditary nonpolyposis, type 4. Identifiers: Orphanet 144, MedGen C1838333, MONDO:0013699, OMIM 614337. Disease mechanism: loss of function.
Mismatch repair cancer syndrome 4. Identifiers: MedGen C5436817, MONDO:0030843, OMIM 619101.
Hereditary nonpolyposis colorectal neoplasms. Identifiers: MedGen C0009405, MeSH D003123.
Hereditary cancer-predisposing syndrome. Also called: Tumor predisposition; Neoplastic Syndromes, Hereditary; Hereditary Cancer Syndrome; Hereditary neoplastic syndrome. Identifiers: Orphanet 140162, MedGen C0027672, MeSH D009386, MONDO:0015356.

Allele frequency attached by ClinVar (database versions not stated): TOPMed 0.00001; ExAC 0.00005; gnomAD 0.00038.
gnomAD v4.1: 64 of 1,614,032 alleles (0.004%); highest among the groups gnomAD compares: Non-Finnish European, 0.0052%; no homozygotes.

Submissions (15):

Labcorp Genetics (formerly Invitae), Labcorp
Classification: Benign for Hereditary nonpolyposis colorectal neoplasms. Last evaluated: 2026-02-03. Review status: criteria provided, single submitter. Criteria: Invitae Variant Classification Sherloc (09022015). Collection method: clinical testing. Allele origin: germline.

Quest Diagnostics Nichols Institute San Juan Capistrano
Classification: Benign. Last evaluated: 2025-11-07. Review status: criteria provided, single submitter. Criteria: Quest Diagnostics criteria. Collection method: clinical testing. Allele origin: unknown.

Center for Genomic Medicine, Rigshospitalet, Copenhagen University Hospital
Classification: Uncertain significance. Last evaluated: 2025-03-04. Review status: criteria provided, single submitter. Criteria: ACMG Guidelines, 2015. Collection method: clinical testing. Allele origin: germline.

Myriad Genetics, Inc.
Classification: Likely benign for Lynch syndrome 4. Last evaluated: 2025-01-30. Review status: criteria provided, single submitter. Criteria: Myriad Autosomal Dominant, Autosomal Recessive and X-Linked Classification Criteria (2023). Collection method: clinical testing. Allele origin: unknown.
Comment: This variant is considered likely benign. This variant has been observed in trans with a known pathogenic variant in one or more individuals lacking clinical features consistent with gene-specific recessive disease.

Ambry Genetics
Classification: Likely benign for Hereditary cancer-predisposing syndrome. Last evaluated: 2025-01-08. Review status: criteria provided, single submitter. Criteria: Ambry Variant Classification Scheme 2023. Collection method: clinical testing. Allele origin: germline.

Blueprint Genetics
Classification: Uncertain significance. Last evaluated: 2024-10-30. Review status: criteria provided, single submitter. Criteria: ACMG Guidelines, 2015. Collection method: clinical testing. Allele origin: germline.

Fulgent Genetics
Classification: Uncertain significance for Lynch syndrome 4; Mismatch repair cancer syndrome 4. Last evaluated: 2024-06-18. Review status: criteria provided, single submitter. Criteria: ACMG Guidelines, 2015. Collection method: clinical testing. Allele origin: germline.

Color Diagnostics, LLC DBA Color Health
Classification: Uncertain significance for Hereditary cancer-predisposing syndrome. Last evaluated: 2024-06-13. Review status: criteria provided, single submitter. Criteria: ACMG Guidelines, 2015. Collection method: clinical testing. Allele origin: germline.
Comment: This missense variant replaces alanine with glycine at codon 423 of the PMS2 protein. Computational prediction suggests that this variant may not impact protein structure and function (internally defined REVEL score threshold <= 0.5, PMID: 27666373). To our knowledge, functional studies have not been performed for this variant. This variant has been reported in one individual tested for Lynch syndrome in the literature, however this individual also harbored a pathogenic MLH1 mutation (PMID: 25980754). This variant has also been reported in 12/60466 cases and 9/53461 unaffected controls in a large breast cancer case-control study (PMID: 33471991). This variant has been identified in 19/282400 chromosomes in the general population by the Genome Aggregation Database (gnomAD). The available evidence is insufficient to determine the role of this variant in disease conclusively. Therefore, this variant is classified as a Variant of Uncertain Significance.

Baylor Genetics
Classification: Uncertain significance for Lynch syndrome 4. Last evaluated: 2024-03-13. Review status: criteria provided, single submitter. Criteria: ACMG Guidelines, 2015. Collection method: clinical testing. Allele origin: unknown.

GeneDx
Classification: Uncertain significance. Last evaluated: 2023-10-04. Review status: criteria provided, single submitter. Criteria: GeneDx Variant Classification Process June 2021. Collection method: clinical testing. Allele origin: germline. Affected: yes.
Comment: In silico analysis supports that this missense variant has a deleterious effect on protein structure/function; Identified in an individual with pancreatic cancer and in an individual with a Lynch-associated cancer and/or polyps who also harbored a pathogenic MLH1 variant (Yurgelun et al., 2015; Young et al., 2018); Case control studies suggest this variant may be associated with breast cancer (Nikitin et al., 2020); This variant is associated with the following publications: (PMID: 27882345, 27363283, 25980754, 29945567, 32547938, 33471991)

CeGaT Center for Human Genetics Tuebingen
Classification: Likely benign. Last evaluated: 2023-09-01. Review status: criteria provided, single submitter. Criteria: CeGaT Center For Human Genetics Tuebingen Variant Classification Criteria Version 2. Collection method: clinical testing. Allele origin: germline. Affected: yes. Observed: 1 variant allele.
Comment: PMS2: PS4:Supporting, BP1, BP5

Women's Health and Genetics/Laboratory Corporation of America, LabCorp
Classification: Uncertain significance. Last evaluated: 2023-06-05. Review status: criteria provided, single submitter. Criteria: LabCorp Variant Classification Summary - May 2015. Collection method: clinical testing. Allele origin: germline.
Comment: Variant summary: PMS2 c.1268C>G (p.Ala423Gly) results in a non-conservative amino acid change in the encoded protein sequence. Three of five in-silico tools predict a damaging effect of the variant on protein function. The variant allele was found at a frequency of 2.8e-05 in 251004 control chromosomes (gnomAD). The available data on variant occurrences in the general population are insufficient to allow any conclusion about variant significance. c.1268C>G has been reported in the literature in an individual suspected of Lynch Syndrome who also had a co-occurring pathogenic variant in MLH1 (c.1852_1854del, p.Lys618del), providing supporting evidence for a benign role (Yurgelun_2015). It has also been reported in settings of multigene panel testing in individuals affected with breast cancer and pancreatic cancer (Young_2018, Niktin_2020). These reports do not provide unequivocal conclusions about association of the variant with Lynch Syndrome. To our knowledge, no experimental evidence demonstrating an impact on protein function has been reported. The following publications have been ascertained in the context of this evaluation (PMID: 32547938, 29945567, 25980754). Nine clinical diagnostic laboratories have submitted clinical-significance assessments for this variant to ClinVar after 2014 and all classified the variant as uncertain significance. Based on the evidence outlined above, the variant was classified as uncertain significance.

Sema4
Classification: Uncertain significance for Hereditary cancer-predisposing syndrome. Last evaluated: 2021-12-17. Review status: criteria provided, single submitter. Criteria: Sema4 Curation Guidelines. Collection method: curation. Allele origin: germline.
Comment: The PMS2 c.1268C>G (p.A423G) variant has been reported in at least one individual with a Lynch syndrome-related cancer, however this individual also carried a pathogenic variant in MLH1 (PMID: 25980754). This variant has also been reported in multiple patients with breast cancer, but was also identified in healthy controls (PMID: 33471991, 32547938). It was observed in 18/128902 chromosomes of the Non-Finnish European subpopulation, in the large and broad cohorts of the Genome Aggregation Database (PMID: 32461654). The variant has been reported in ClinVar (Variation ID 184994). Functional studies have not been performed, and in silico predictions of the variant's effect on protein function are inconclusive. The evidence is insufficient to meet ACMG/AMP criteria for classifying the variant as benign or pathogenic. Thus, the clinical significance of this variant is currently uncertain.

Genetic Services Laboratory, University of Chicago
Classification: Uncertain significance. Last evaluated: 2018-10-24. Review status: criteria provided, single submitter. Criteria: ACMG Guidelines, 2015. Collection method: clinical testing. Allele origin: germline. Affected: no.

Illumina Laboratory Services, Illumina
Classification: Uncertain significance for Lynch syndrome 4. Last evaluated: 2018-01-12. Review status: criteria provided, single submitter. Criteria: ICSL Variant Classification Criteria 13 December 2019. Collection method: clinical testing. Allele origin: germline.

Literature cited by the submitters: PubMed 33471991 (cited by 4 submitters); PubMed 32547938 (cited by 3 submitters); PubMed 25980754 (cited by 5 submitters); PubMed 29945567 (cited by 3 submitters); PubMed 35449176 (cited by Quest Diagnostics Nichols Institute San Juan Capistrano); PubMed 32268276 (cited by Quest Diagnostics Nichols Institute San Juan Capistrano).

NM_000535.7(PMS2):c.1268C>G (p.Ala423Gly)

Gene: PMS2 (PMS1 homolog 2, mismatch repair system component; minus strand). Cytogenetic location: 7p22.1.
Variant type: single nucleotide variant.
Coding change: c.1268C>G on transcript NM_000535.7 (MANE Select); coding-DNA position 1268, C replaced by G.
Protein change: p.Ala423Gly; replaces alanine 423 with glycine.
Molecular consequence: missense variant. On other transcripts: non-coding transcript variant (1).
Genome position (GRCh38, 1-based): chr7:5,987,497, G>C on the plus strand (C>G on the coding strand, the complement: PMS2 is on the minus strand). VCF-style: chr7-5987497-G-C. GRCh37 (hg19) VCF-style: chr7-6027128-G-C.
Other names: c.863C>G, p.Ala288Gly (NM_001322003.2, NM_001322004.2, NM_001322005.2 and 1 more transcripts); c.1112C>G, p.Ala371Gly (NM_001322006.2); c.950C>G, p.Ala317Gly (NM_001322007.2, NM_001322008.2); c.707C>G, p.Ala236Gly (NM_001322010.2); c.335C>G, p.Ala112Gly (NM_001322011.2, NM_001322012.2); c.695C>G, p.Ala232Gly (NM_001322013.2); c.1268C>G, p.Ala423Gly (NM_001322014.2); c.959C>G, p.Ala320Gly (NM_001322015.2); short protein forms A423G, A112G, A236G, A232G, A371G, A288G, A317G, A320G.
Identifiers: ClinVar variation 184994 (VCV000184994.68), dbSNP rs756883400, ClinGen allele CA009455.